The following is an entry in ClinVar:

ClinVar aggregate classification (germline): Uncertain significance (1 of 4 stars; one submission).

Conditions:
Inborn genetic diseases. Identifiers: MedGen C0950123, MeSH D030342.

Submission:

Ambry Genetics
Classification: Uncertain significance for Inborn genetic diseases. Last evaluated: 2024-11-28. Review status: criteria provided, single submitter. Criteria: Ambry Variant Classification Scheme 2023. Collection method: clinical testing. Allele origin: germline.
Comment: The p.M732L variant (also known as c.2194A>T), located in coding exon 14 of the PIK3CA gene, results from an A to T substitution at nucleotide position 2194. The methionine at codon 732 is replaced by leucine, an amino acid with highly similar properties. This amino acid position is conserved. In addition, the in silico prediction for this alteration is inconclusive. Based on the available evidence, the clinical significance of this variant remains unclear.

NM_006218.4(PIK3CA):c.2194A>T (p.Met732Leu)

Gene: PIK3CA (phosphatidylinositol-4,5-bisphosphate 3-kinase catalytic subunit alpha; plus strand). Cytogenetic location: 3q26.32.
Variant type: single nucleotide variant.
Coding change: c.2194A>T on transcript NM_006218.4 (MANE Select); coding-DNA position 2194, A replaced by T.
Protein change: p.Met732Leu; replaces methionine 732 with leucine.
Molecular consequence: missense variant.
Genome position (GRCh38, 1-based): chr3:179,224,087, A>T. VCF-style: chr3-179224087-A-T. GRCh37 (hg19) VCF-style: chr3-178941875-A-T.
Other names: short protein forms M732L.
Identifiers: ClinVar variation 3418558 (VCV003418558.1).
Genomic context (GRCh38, chr3:179,224,087, plus strand): 5'-TTTATCTTTTATTAAGTCAGTTTCTTACTGTGACTATCCTTTTTTTTTAATCAGGTACAG[A>T]TGAAGTTTTTAGTTGAGCAAATGAGGCGACCAGATTTCATGGATGCTCTACAGGGCTTTC-3'
Protein context (NP_006209.2, residues 722-742): EKKDETQKVQ[Met732Leu]KFLVEQMRRP